The following is an entry in ClinVar:

ClinVar aggregate classification (germline): Pathogenic. Review status: criteria provided, multiple submitters, no conflicts (2 of 4 stars). 2 submissions from 2 submitters: Pathogenic (2). Last evaluated 2023-03-19.

Conditions:
RASopathy. Also called: rasopathies; Noonan spectrum disorder. Identifiers: Orphanet 536391, MedGen C5555857, MONDO:0021060.

Submissions (2):

Labcorp Genetics (formerly Invitae), Labcorp
Classification: Pathogenic for RASopathy. Last evaluated: 2023-03-19. Review status: criteria provided, single submitter. Criteria: Invitae Variant Classification Sherloc (09022015). Collection method: clinical testing. Allele origin: germline.
Comment: For these reasons, this variant has been classified as Pathogenic. Advanced modeling of protein sequence and biophysical properties (such as structural, functional, and spatial information, amino acid conservation, physicochemical variation, residue mobility, and thermodynamic stability) performed at Invitae indicates that this missense variant is expected to disrupt SOS1 protein function. ClinVar contains an entry for this variant (Variation ID: 1712183). This missense change has been observed in individual(s) with clinical features of Noonan syndrome (PMID: 17143282, 17586837, 19438935, 21387466, 22465605, 31219622, 34184824). This variant is not present in population databases (gnomAD no frequency). This sequence change replaces tryptophan, which is neutral and slightly polar, with arginine, which is basic and polar, at codon 432 of the SOS1 protein (p.Trp432Arg).

GeneDx
Classification: Pathogenic. Last evaluated: 2022-10-17. Review status: criteria provided, single submitter. Criteria: GeneDx Variant Classification Process June 2021. Collection method: clinical testing. Allele origin: germline. Affected: yes.
Comment: Missense variants in this gene are often considered pathogenic (HGMD); Not observed at significant frequency in large population cohorts (gnomAD); In silico analysis supports that this missense variant has a deleterious effect on protein structure/function; This variant is associated with the following publications: (PMID: 31219622, 34184824, 29493581, 20648242, 17143282, 21387466, 12628188)

Literature cited by the submitters: PubMed 17143282 (cited by Labcorp Genetics (formerly Invitae), Labcorp); PubMed 17586837 (cited by Labcorp Genetics (formerly Invitae), Labcorp); PubMed 19438935 (cited by Labcorp Genetics (formerly Invitae), Labcorp); PubMed 21387466 (cited by Labcorp Genetics (formerly Invitae), Labcorp); PubMed 22465605 (cited by Labcorp Genetics (formerly Invitae), Labcorp); PubMed 31219622 (cited by Labcorp Genetics (formerly Invitae), Labcorp); PubMed 34184824 (cited by Labcorp Genetics (formerly Invitae), Labcorp).

NM_005633.4(SOS1):c.1294T>A (p.Trp432Arg)

Gene: SOS1 (SOS Ras/Rac guanine nucleotide exchange factor 1; minus strand). Cytogenetic location: 2p22.1.
Variant type: single nucleotide variant.
Coding change: c.1294T>A on transcript NM_005633.4 (MANE Select); coding-DNA position 1294, T replaced by A.
Protein change: p.Trp432Arg; replaces tryptophan 432 with arginine.
Molecular consequence: missense variant.
Genome position (GRCh38, 1-based): chr2:39,023,134, A>T on the plus strand (T>A on the coding strand, the complement: SOS1 is on the minus strand). VCF-style: chr2-39023134-A-T. GRCh37 (hg19) VCF-style: chr2-39250275-A-T.
Other names: c.1273T>A, p.Trp425Arg (NM_001382394.1); c.1294T>A, p.Trp432Arg (NM_001382395.1); short protein forms W425R, W432R.
Identifiers: ClinVar variation 1712183 (VCV001712183.5), dbSNP rs267607080, ClinGen allele CA346366503.